The following is an entry in ClinVar:

ClinVar aggregate classification (germline): Uncertain significance (1 of 4 stars; one submission).

Allele frequency attached by ClinVar (database versions not stated): gnomAD exomes 0.00001.
gnomAD v4.1: 6 of 1,206,176 alleles (0.0005%); highest among the groups gnomAD compares: Non-Finnish European, 0.00067%; no homozygotes.

Submission:

GeneDx
Classification: Uncertain significance. Last evaluated: 2020-05-18. Review status: criteria provided, single submitter. Criteria: GeneDx Variant Classification Process June 2021. Collection method: clinical testing. Allele origin: germline. Affected: yes.
Comment: Not observed at a significant frequency in large population cohorts (Lek et al., 2016); In silico analysis supports that this missense variant does not alter protein structure/function; Has not been previously published as pathogenic or benign to our knowledge

NM_001099922.3(ALG13):c.2875C>A (p.Pro959Thr)

Gene: ALG13 (ALG13 UDP-N-acetylglucosaminyltransferase subunit; plus strand). Cytogenetic location: Xq23.
Variant type: single nucleotide variant.
Coding change: c.2875C>A on transcript NM_001099922.3 (MANE Select); coding-DNA position 2875, C replaced by A.
Protein change: p.Pro959Thr; replaces proline 959 with threonine.
Molecular consequence: missense variant. On other transcripts: intron variant (5).
Genome position (GRCh38, 1-based): chrX:111,744,847, C>A. VCF-style: chrX-111744847-C-A. GRCh37 (hg19) VCF-style: chrX-110988075-C-A.
Other names: c.2641C>A, p.Pro881Thr (NM_001257231.2); c.2384-7943C>A (NM_001257237.2, NM_001257234.2, NM_001257230.2); c.2210-7943C>A (NM_001324293.1); c.2696-7943C>A (NM_001324292.2); short protein forms P881T, P959T.
Identifiers: ClinVar variation 1216267 (VCV001216267.3), dbSNP rs778329557, ClinGen allele CA10493999.